The following is an entry in ClinVar:

ClinVar aggregate classification (germline): Pathogenic (1 of 4 stars; one submission).

Conditions:
Phelan-McDermid syndrome. Also called: TELOMERIC 22q13 MONOSOMY SYNDROME; 22q13.3 deletion syndrome; Phelan-McDermid Syndrome-SHANK3 Related. Identifiers: Orphanet 48652, MedGen C1853490, MONDO:0011652, OMIM 606232.

Submission:

Greenwood Genetic Center Diagnostic Laboratories, Greenwood Genetic Center
Classification: Pathogenic for Phelan-McDermid syndrome. Last evaluated: 2023-09-13. Review status: criteria provided, single submitter. Criteria: ACMG Guidelines, 2015. Collection method: clinical testing. Allele origin: germline. Affected: yes.
Comment: PVS1, PS2, PM2

NM_001372044.2(SHANK3):c.5074_5077dup (p.His1693fs)

Gene: SHANK3 (SH3 and multiple ankyrin repeat domains 3; plus strand). Cytogenetic location: 22q13.33.
Variant type: Duplication.
Coding change: c.5074_5077dup on transcript NM_001372044.2 (MANE Select); coding-DNA positions 5074 to 5077, 4 bases duplicated (CCGC; older notation c.5074_5077dupCCGC).
Protein change: p.His1693fs; shifts the reading frame from histidine 1693.
Molecular consequence: frameshift variant.
Genome position (GRCh38, 1-based): chr22:50,730,965-50,730,968, CCGC duplicated; duplicating any 4 consecutive bases within chr22:50,730,964-50,730,968 gives the same sequence; the c. name uses the placement nearest the transcript's 3' end. VCF-style (leftmost placement, unchanged base first): chr22-50730963-T-TCCCG. GRCh37 (hg19) VCF-style: chr22-51169391-T-TCCCG.
Other names: c.4849_4852dup, p.His1618Profs (NM_033517.1); short protein forms H1693fs.
Identifiers: ClinVar variation 2626939 (VCV002626939.1), dbSNP rs2518439281, ClinGen allele CA2582342890.
Genomic context (GRCh38, chr22:50,730,963, plus strand): 5'-GCGCAGGGCGGCCCTTCGGCCTCACGCCCCCCACCATCCTCAAGTCGTCCAGCCTCTCCA[T>TCCCG]CCCGCACGAGCCCAAGGAGGTGCGCTTCGTGGTGCGCAGCGTGAGCGCGCGCAGTCGCTC-3'